The following is an entry in ClinVar:

ClinVar aggregate classification (germline): Uncertain significance. Review status: criteria provided, multiple submitters, no conflicts (2 of 4 stars). 3 submissions from 3 submitters: Uncertain significance (3). Last evaluated 2021-10-04.

Conditions:
Charcot-Marie-Tooth disease type 4. Also called: Charcot-Marie-Tooth disease, type IV; Charcot-Marie-Tooth, Type 4. Identifiers: Orphanet 64749, MedGen C4082197, MONDO:0018995.
Inborn genetic diseases. Identifiers: MedGen C0950123, MeSH D030342.

Allele frequency attached by ClinVar (database versions not stated): gnomAD exomes below 0.00001; gnomAD 0.00001.

Submissions (3):

Ambry Genetics
Classification: Uncertain significance for Inborn genetic diseases. Last evaluated: 2021-10-04. Review status: criteria provided, single submitter. Criteria: Ambry Variant Classification Scheme 2023. Collection method: clinical testing. Allele origin: germline.
Comment: The p.T637I variant (also known as c.1910C>T), located in coding exon 15 of the MTMR2 gene, results from a C to T substitution at nucleotide position 1910. The threonine at codon 637 is replaced by isoleucine, an amino acid with similar properties. This amino acid position is conserved. In addition, the in silico prediction for this alteration is inconclusive. Since supporting evidence is limited at this time, the clinical significance of this alteration remains unclear.

Labcorp Genetics (formerly Invitae), Labcorp
Classification: Uncertain significance for Charcot-Marie-Tooth disease type 4. Last evaluated: 2021-08-27. Review status: criteria provided, single submitter. Criteria: Invitae Variant Classification Sherloc (09022015). Collection method: clinical testing. Allele origin: germline.
Comment: This sequence change replaces threonine with isoleucine at codon 637 of the MTMR2 protein (p.Thr637Ile). The threonine residue is moderately conserved and there is a moderate physicochemical difference between threonine and isoleucine. This variant is not present in population databases (ExAC no frequency). This variant has not been reported in the literature in individuals affected with MTMR2-related conditions. ClinVar contains an entry for this variant (Variation ID: 450066). Algorithms developed to predict the effect of missense changes on protein structure and function are either unavailable or do not agree on the potential impact of this missense change (SIFT: "Tolerated"; PolyPhen-2: "Possibly Damaging"; Align-GVGD: "Class C0"). In summary, the available evidence is currently insufficient to determine the role of this variant in disease. Therefore, it has been classified as a Variant of Uncertain Significance.

GeneDx
Classification: Uncertain significance. Last evaluated: 2017-06-29. Review status: criteria provided, single submitter. Criteria: GeneDx Variant Classification (06012015). Collection method: clinical testing. Allele origin: germline. Affected: yes.
Comment: The T637I variant has not been published as a pathogenic variant, nor has it been reported as a benign variant to our knowledge. The T637I variant is not observed in large population cohorts (Lek et al., 2016; 1000 Genomes Consortium et al., 2015; Exome Variant Server). This variant is a non-conservative amino acid substitution, which is likely to impact secondary protein structure as these residues differ in polarity, charge, size and/or other properties. However, this substitution occurs at a position that is not conserved, and in silico analysis is inconsistent in its predictions as to whether or not the variant is damaging to the protein structure/function.

NM_016156.6(MTMR2):c.1910C>T (p.Thr637Ile)

Gene: MTMR2 (myotubularin related protein 2; minus strand). Cytogenetic location: 11q21.
Variant type: single nucleotide variant.
Coding change: c.1910C>T on transcript NM_016156.6 (MANE Select); coding-DNA position 1910, C replaced by T.
Protein change: p.Thr637Ile; replaces threonine 637 with isoleucine.
Molecular consequence: missense variant.
Genome position (GRCh38, 1-based): chr11:95,835,312, G>A on the plus strand (C>T on the coding strand, the complement: MTMR2 is on the minus strand). VCF-style: chr11-95835312-G-A. GRCh37 (hg19) VCF-style: chr11-95568476-G-A.
Other names: c.1694C>T, p.Thr565Ile (NM_001243571.2, NM_201278.3, NM_201281.3); short protein forms T637I, T565I.
Identifiers: ClinVar variation 450066 (VCV000450066.11), dbSNP rs1555056657, ClinGen allele CA382412386.